The following is an entry in ClinVar:

NM_001375524.1(TRRAP):c.10619A>G (p.Tyr3540Cys)

Gene: TRRAP (transformation/transcription domain associated protein; plus strand). Cytogenetic location: 7q22.1.
Variant type: single nucleotide variant.
Coding change: c.10619A>G on transcript NM_001375524.1 (MANE Select); coding-DNA position 10619, A replaced by G.
Protein change: p.Tyr3540Cys; replaces tyrosine 3540 with cysteine.
Molecular consequence: missense variant.
Genome position (GRCh38, 1-based): chr7:99,005,214, A>G. VCF-style: chr7-99005214-A-G. GRCh37 (hg19) VCF-style: chr7-98602837-A-G.
Other names: c.10577A>G, p.Tyr3526Cys (NM_001244580.2); c.10490A>G, p.Tyr3497Cys (NM_003496.4); short protein forms Y3526C, Y3497C, Y3540C.
Identifiers: ClinVar variation 2010559 (VCV002010559.4), dbSNP rs2485059996, ClinGen allele CA368338051.

ClinVar aggregate classification (germline): Uncertain significance (1 of 4 stars; one submission).

Submission:

Labcorp Genetics (formerly Invitae), Labcorp
Classification: Uncertain significance. Last evaluated: 2023-03-30. Review status: criteria provided, single submitter. Criteria: Invitae Variant Classification Sherloc (09022015). Collection method: clinical testing. Allele origin: germline.
Comment: In summary, the available evidence is currently insufficient to determine the role of this variant in disease. Therefore, it has been classified as a Variant of Uncertain Significance. Advanced modeling of protein sequence and biophysical properties (such as structural, functional, and spatial information, amino acid conservation, physicochemical variation, residue mobility, and thermodynamic stability) performed at Invitae indicates that this missense variant is expected to disrupt TRRAP protein function. ClinVar contains an entry for this variant (Variation ID: 2010559). This variant has not been reported in the literature in individuals affected with TRRAP-related conditions. This variant is not present in population databases (gnomAD no frequency). This sequence change replaces tyrosine, which is neutral and polar, with cysteine, which is neutral and slightly polar, at codon 3497 of the TRRAP protein (p.Tyr3497Cys).